The following is an entry in ClinVar:

ClinVar aggregate classification (germline): Uncertain significance (1 of 4 stars; one submission).

Conditions:
Cardiovascular phenotype. Identifiers: MedGen CN230736.

Allele frequency attached by ClinVar (database versions not stated): gnomAD exomes below 0.00001; TOPMed below 0.00001.
gnomAD v4.1: 2 of 1,550,272 alleles (0.00013%); highest among the groups gnomAD compares: African/African-American, 0.0014%; no homozygotes.

Submission:

Ambry Genetics
Classification: Uncertain significance for Cardiovascular phenotype. Last evaluated: 2024-08-19. Review status: criteria provided, single submitter. Criteria: Ambry Variant Classification Scheme 2023. Collection method: clinical testing. Allele origin: germline.
Comment: The p.P2511S variant (also known as c.7531C>T), located in coding exon 2 of the ZNF469 gene, results from a C to T substitution at nucleotide position 7531. The proline at codon 2511 is replaced by serine, an amino acid with similar properties. This amino acid position is conserved. In addition, this alteration is predicted to be tolerated by in silico analysis. Since supporting evidence is limited at this time, the clinical significance of this alteration remains unclear.

NM_001367624.2(ZNF469):c.7615C>T (p.Pro2539Ser)

Gene: ZNF469 (zinc finger protein 469; plus strand). Cytogenetic location: 16q24.2.
Variant type: single nucleotide variant.
Coding change: c.7615C>T on transcript NM_001367624.2 (MANE Select); coding-DNA position 7615, C replaced by T.
Protein change: p.Pro2539Ser; replaces proline 2539 with serine.
Molecular consequence: missense variant.
Genome position (GRCh38, 1-based): chr16:88,435,085, C>T. VCF-style: chr16-88435085-C-T. GRCh37 (hg19) VCF-style: chr16-88501493-C-T.
Other names: NM_001127464.1:c.7531C>T; short protein forms P2539S.
Identifiers: ClinVar variation 1759387 (VCV001759387.3), dbSNP rs546113899, ClinGen allele CA397113431.
Genomic context (GRCh38, chr16:88,435,085, plus strand): 5'-CTAGCCCAAAAGTGCCAGCCGCCCAGGAAGAAAAGCCACAGGGTGTCTGGGAAGGAGAGA[C>T]CAAATCACTCACGGGGAGACCCCAGCCACGTCACCCAGCCACCGCCTGCCCAGGGCTCAA-3'
Protein context (NP_001354553.1, residues 2529-2549): KSHRVSGKER[Pro2539Ser]NHSRGDPSHV